The following is an entry in ClinVar:

ClinVar aggregate classification (germline): Likely benign. Review status: criteria provided, multiple submitters, no conflicts (2 of 4 stars). 3 submissions from 3 submitters: Likely benign (2). 1 of the submissions does not count toward it. Last evaluated 2016-03-29.

Conditions:
ATP2A3-related disorder. Also called: ATP2A3-related condition.

Allele frequency attached by ClinVar (database versions not stated): 1000 Genomes Project 30x 0.01265; 1000 Genomes Project 0.01298; TOPMed 0.01751; ESP Exome Variant Server 0.01870; ExAC 0.02113; gnomAD 0.02181 and 0.02226; gnomAD exomes 0.02259 and 0.02457.
gnomAD v4.1: 38,972 of 1,613,620 alleles (2.4%); highest among the groups gnomAD compares: Middle Eastern, 3.2%; 590 homozygotes.

Submissions (3):

Laboratory for Molecular Medicine, Mass General Brigham Personalized Medicine
Classification: Likely benign. Last evaluated: 2016-03-29. Review status: criteria provided, single submitter. Criteria: LMM Criteria. Collection method: clinical testing. Allele origin: germline.
Comment: Variant identified in a genome or exome case(s) and assessed due to predicted null impact of the variant or pathogenic assertions in the literature or databases. Disclaimer: This variant has not undergone full assessment. The following are preliminary notes: Frequency in ESP (all): 243/12994=1.8%

Breakthrough Genomics
Classification: Likely benign. Review status: criteria provided, single submitter. Criteria: ACMG Guidelines, 2015. Collection method: not provided. Allele origin: germline. Inheritance: Unknown mechanism. Affected: yes.

PreventionGenetics, part of Exact Sciences
Classification: Benign for ATP2A3-related condition. Last evaluated: 2019-03-01. Review status: no assertion criteria provided. Collection method: clinical testing. Allele origin: germline. Not counted in ClinVar's aggregate classification.
Comment: This variant is classified as benign based on ACMG/AMP sequence variant interpretation guidelines (Richards et al. 2015 PMID: 25741868, with internal and published modifications).

NM_005173.4(ATP2A3):c.2020C>T (p.Arg674Cys)

Gene: ATP2A3 (ATPase sarcoplasmic/endoplasmic reticulum Ca2+ transporting 3; minus strand). Cytogenetic location: 17p13.2.
Variant type: single nucleotide variant.
Coding change: c.2020C>T on transcript NM_005173.4 (MANE Select); coding-DNA position 2020, C replaced by T.
Protein change: p.Arg674Cys; replaces arginine 674 with cysteine.
Molecular consequence: missense variant.
Genome position (GRCh38, 1-based): chr17:3,941,051, G>A on the plus strand (C>T on the coding strand, the complement: ATP2A3 is on the minus strand). VCF-style: chr17-3941051-G-A. GRCh37 (hg19) VCF-style: chr17-3844345-G-A.
Other names: c.2020C>T, p.Arg674Cys (NM_174953.3, NM_174954.3, NM_174955.3 and 3 more transcripts); short protein forms R674C.
Identifiers: ClinVar variation 402401 (VCV000402401.7), dbSNP rs9895012, ClinGen allele CA8296991.